The following is an entry in ClinVar:

NM_001244008.2(KIF1A):c.689A>G (p.His230Arg)

Gene: KIF1A (kinesin family member 1A; minus strand). Cytogenetic location: 2q37.3.
Variant type: single nucleotide variant.
Coding change: c.689A>G on transcript NM_001244008.2 (MANE Select); coding-DNA position 689, A replaced by G.
Protein change: p.His230Arg; replaces histidine 230 with arginine.
Molecular consequence: missense variant.
Genome position (GRCh38, 1-based): chr2:240,785,020, T>C on the plus strand (A>G on the coding strand, the complement: KIF1A is on the minus strand). VCF-style: chr2-240785020-T-C. GRCh37 (hg19) VCF-style: chr2-241724437-T-C.
Other names: c.689A>G, p.His230Arg (NM_001320705.2, NM_001330289.2, NM_001330290.2 and 21 more transcripts); short protein forms H230R.
Identifiers: ClinVar variation 1950570 (VCV001950570.5), dbSNP rs760937139, ClinGen allele CA2208705.

ClinVar aggregate classification (germline): Uncertain significance (1 of 4 stars; one submission).

Conditions:
Hereditary spastic paraplegia 30. Identifiers: Orphanet 101010, MedGen C5235139, MONDO:0012476.
Neuropathy, hereditary sensory, type 2C. Also called: Hereditary sensory and autonomic neuropathy type IIC; KIF1A-Related HSAN2 (HSAN2C). Identifiers: Orphanet 970, MedGen C3280168, MONDO:0013634, OMIM 614213.
Intellectual disability, autosomal dominant 9 (NESCAVS). Also called: NESCAV SYNDROME; KIF1A-Related Neurodevelopmental Disorder. Identifiers: Orphanet 662367, MedGen C5393830, MONDO:0013656, OMIM 614255.

Allele frequency attached by ClinVar (database versions not stated): TOPMed below 0.00001; ExAC 0.00001; gnomAD exomes 0.00002.
gnomAD v4.1: 22 of 1,613,612 alleles (0.0014%); highest among the groups gnomAD compares: Non-Finnish European, 0.0018%; no homozygotes.

Submission:

Labcorp Genetics (formerly Invitae), Labcorp
Classification: Uncertain significance for Hereditary spastic paraplegia 30; Neuropathy, hereditary sensory, type 2C; Intellectual disability, autosomal dominant 9. Last evaluated: 2024-09-25. Review status: criteria provided, single submitter. Criteria: Invitae Variant Classification Sherloc (09022015). Collection method: clinical testing. Allele origin: germline.
Comment: This sequence change replaces histidine, which is basic and polar, with arginine, which is basic and polar, at codon 230 of the KIF1A protein (p.His230Arg). This variant is present in population databases (rs760937139, gnomAD 0.002%). This variant has not been reported in the literature in individuals affected with KIF1A-related conditions. ClinVar contains an entry for this variant (Variation ID: 1950570). Invitae Evidence Modeling of protein sequence and biophysical properties (such as structural, functional, and spatial information, amino acid conservation, physicochemical variation, residue mobility, and thermodynamic stability) indicates that this missense variant is expected to disrupt KIF1A protein function with a positive predictive value of 95%. In summary, the available evidence is currently insufficient to determine the role of this variant in disease. Therefore, it has been classified as a Variant of Uncertain Significance.